The following is an entry in ClinVar:

ClinVar aggregate classification (germline): Uncertain significance (1 of 4 stars; one submission).

Conditions:
Hereditary cancer-predisposing syndrome. Also called: Neoplastic Syndromes, Hereditary; Tumor predisposition; Hereditary Cancer Syndrome; Hereditary neoplastic syndrome. Identifiers: Orphanet 140162, MedGen C0027672, MeSH D009386, MONDO:0015356.

Submission:

Ambry Genetics
Classification: Uncertain significance for Hereditary cancer-predisposing syndrome. Last evaluated: 2022-10-21. Review status: criteria provided, single submitter. Criteria: Ambry Variant Classification Scheme 2023. Collection method: clinical testing. Allele origin: germline.
Comment: The p.S997G variant (also known as c.2989A>G), located in coding exon 25 of the POLE gene, results from an A to G substitution at nucleotide position 2989. The serine at codon 997 is replaced by glycine, an amino acid with similar properties. This amino acid position is conserved. In addition, this alteration is predicted to be tolerated by in silico analysis. Since supporting evidence is limited at this time, the clinical significance of this alteration remains unclear.

NM_006231.4(POLE):c.2989A>G (p.Ser997Gly)

Gene: POLE (DNA polymerase epsilon, catalytic subunit; minus strand). Cytogenetic location: 12q24.33.
Variant type: single nucleotide variant.
Coding change: c.2989A>G on transcript NM_006231.4 (MANE Select); coding-DNA position 2989, A replaced by G.
Protein change: p.Ser997Gly; replaces serine 997 with glycine.
Molecular consequence: missense variant.
Genome position (GRCh38, 1-based): chr12:132,661,040, T>C on the plus strand (A>G on the coding strand, the complement: POLE is on the minus strand). VCF-style: chr12-132661040-T-C. GRCh37 (hg19) VCF-style: chr12-133237626-T-C.
Other names: short protein forms S997G.
Identifiers: ClinVar variation 1798478 (VCV001798478.2), dbSNP rs2138689978, ClinGen allele CA387392368.